The following is an entry in ClinVar:

NM_000215.4(JAK3):c.*1926A>G

Gene: JAK3 (Janus kinase 3; minus strand). Cytogenetic location: 19p13.11.
Variant type: single nucleotide variant.
Coding change: c.*1926A>G on transcript NM_000215.4 (MANE Select); 1926 bases downstream of the stop codon, A replaced by G.
Molecular consequence: 3 prime UTR variant.
Genome position (GRCh38, 1-based): chr19:17,824,817, T>C on the plus strand (A>G on the coding strand, the complement: JAK3 is on the minus strand). VCF-style: chr19-17824817-T-C. GRCh37 (hg19) VCF-style: chr19-17935626-T-C.
Identifiers: ClinVar variation 328462 (VCV000328462.6), dbSNP rs11888, ClinGen allele CA10642413.

ClinVar aggregate classification (germline): Benign. Review status: criteria provided, multiple submitters, no conflicts (2 of 4 stars). 2 submissions from 2 submitters: Benign (2). Last evaluated 2018-01-12.

Conditions:
T-B+ severe combined immunodeficiency due to JAK3 deficiency. Also called: SCID, autosomal recessive, T-negative/B-positive type; SCID, T CELL-NEGATIVE, B CELL-POSITIVE, NK CELL-NEGATIVE. Identifiers: Orphanet 35078, MedGen C1833275, MONDO:0010938, OMIM 600802.

Allele frequency attached by ClinVar (database versions not stated): gnomAD 0.38087 and 0.38180; TOPMed 0.38442; gnomAD exomes 0.37879; 1000 Genomes Project 0.39796; 1000 Genomes Project 30x 0.39522.
gnomAD v4.1: 74,972 of 196,984 alleles (38%); highest among the groups gnomAD compares: East Asian, 45%; 14,578 homozygotes.

Submissions (2):

Illumina Laboratory Services, Illumina
Classification: Benign for T-B+ severe combined immunodeficiency due to JAK3 deficiency. Last evaluated: 2018-01-12. Review status: criteria provided, single submitter. Criteria: ICSL Variant Classification Criteria 13 December 2019. Collection method: clinical testing. Allele origin: germline.
Comment: This variant was observed in the ICSL laboratory as part of a predisposition screen in an ostensibly healthy population. It had not been previously curated by ICSL or reported in the Human Gene Mutation Database (HGMD: prior to June 1st, 2018), and was therefore a candidate for classification through an automated scoring system. Utilizing variant allele frequency, disease prevalence and penetrance estimates, and inheritance mode, an automated score was calculated to assess if this variant is too frequent to cause the disease. Based on the score and internal cut-off values, a variant classified as benign is not then subjected to further curation. The score for this variant resulted in a classification of benign for this disease.

Breakthrough Genomics
Classification: Benign. Review status: criteria provided, single submitter. Criteria: ACMG Guidelines, 2015. Collection method: not provided. Allele origin: germline. Inheritance: Autosomal recessive inheritance. Affected: yes.